The following is an entry in ClinVar:

NM_004168.4(SDHA):c.1143T>C (p.Pro381=)

Gene: SDHA (succinate dehydrogenase complex flavoprotein subunit A; plus strand). Cytogenetic location: 5p15.33.
Variant type: single nucleotide variant.
Coding change: c.1143T>C on transcript NM_004168.4 (MANE Select); coding-DNA position 1143, T replaced by C.
Protein change: p.Pro381=; no amino-acid change (proline 381 retained).
Molecular consequence: synonymous variant.
Genome position (GRCh38, 1-based): chr5:235,222, T>C. VCF-style: chr5-235222-T-C. GRCh37 (hg19) VCF-style: chr5-235337-T-C.
Other names: c.999T>C, p.Pro333= (NM_001294332.2); c.1143T>C, p.Pro381= (NM_001330758.2).
Identifiers: ClinVar variation 1125605 (VCV001125605.10), dbSNP rs1735695108, ClinGen allele CA442691972.

ClinVar aggregate classification (germline): Benign/Likely benign. Review status: criteria provided, multiple submitters, no conflicts (2 of 4 stars). 3 submissions from 3 submitters: Benign (1); Likely benign (2). Last evaluated 2025-03-07.

Conditions:
Pheochromocytoma/paraganglioma syndrome 5. Also called: Paragangliomas 5; SDHA-Related Hereditary Paraganglioma-Pheochromocytoma Syndrome. Identifiers: Orphanet 29072, MedGen C3279992, MONDO:0013602, OMIM 614165.
Mitochondrial complex II deficiency, nuclear type 1. Also called: SUCCINATE CoQ REDUCTASE DEFICIENCY. Identifiers: Orphanet 3208, MedGen C5700310, MONDO:0100294, OMIM 252011.
Hereditary cancer-predisposing syndrome. Also called: Tumor predisposition; Neoplastic Syndromes, Hereditary; Hereditary Cancer Syndrome; Hereditary neoplastic syndrome. Identifiers: Orphanet 140162, MedGen C0027672, MeSH D009386, MONDO:0015356.

Allele frequency attached by ClinVar (database versions not stated): TOPMed below 0.00001.

Submissions (3):

Myriad Genetics, Inc.
Classification: Benign for Pheochromocytoma/paraganglioma syndrome 5. Last evaluated: 2025-03-07. Review status: criteria provided, single submitter. Criteria: Myriad Autosomal Dominant, Autosomal Recessive and X-Linked Classification Criteria (2023). Collection method: clinical testing. Allele origin: unknown.
Comment: This variant is considered benign. This variant is a silent/synonymous amino acid change and it is not expected to impact splicing.

Labcorp Genetics (formerly Invitae), Labcorp
Classification: Likely benign for Pheochromocytoma/paraganglioma syndrome 5; Mitochondrial complex II deficiency, nuclear type 1. Last evaluated: 2024-02-01. Review status: criteria provided, single submitter. Criteria: Invitae Variant Classification Sherloc (09022015). Collection method: clinical testing. Allele origin: germline.

Ambry Genetics
Classification: Likely benign for Hereditary cancer-predisposing syndrome. Last evaluated: 2020-03-23. Review status: criteria provided, single submitter. Criteria: Ambry Variant Classification Scheme 2023. Collection method: clinical testing. Allele origin: germline.